The following is an entry in ClinVar:

ClinVar aggregate classification (germline): Uncertain significance (1 of 4 stars; one submission).

Conditions:
Kabuki syndrome. Also called: NIIKAWA-KUROKI SYNDROME; Kabuki make-up syndrome. Identifiers: Orphanet 2322, MedGen C0796004, MONDO:0016512.

Submission:

Labcorp Genetics (formerly Invitae), Labcorp
Classification: Uncertain significance for Kabuki syndrome. Last evaluated: 2025-08-21. Review status: criteria provided, single submitter. Criteria: Invitae Variant Classification Sherloc (09022015). Collection method: clinical testing. Allele origin: germline.
Comment: This sequence change replaces isoleucine, which is neutral and non-polar, with leucine, which is neutral and non-polar, at codon 2045 of the KMT2D protein (p.Ile2045Leu). This variant is not present in population databases (gnomAD no frequency). This variant has not been reported in the literature in individuals affected with KMT2D-related conditions. ClinVar contains an entry for this variant (Variation ID: 1718156). Invitae Evidence Modeling of protein sequence and biophysical properties (such as structural, functional, and spatial information, amino acid conservation, physicochemical variation, residue mobility, and thermodynamic stability) has been performed for this missense variant. However, the output from this modeling did not meet the statistical confidence thresholds required to predict the impact of this variant on KMT2D protein function. In summary, the available evidence is currently insufficient to determine the role of this variant in disease. Therefore, it has been classified as a Variant of Uncertain Significance.

NM_003482.4(KMT2D):c.6133A>C (p.Ile2045Leu)

Gene: KMT2D (lysine methyltransferase 2D; minus strand). Cytogenetic location: 12q13.12.
Variant type: single nucleotide variant.
Coding change: c.6133A>C on transcript NM_003482.4 (MANE Select); coding-DNA position 6133, A replaced by C.
Protein change: p.Ile2045Leu; replaces isoleucine 2045 with leucine.
Molecular consequence: missense variant.
Genome position (GRCh38, 1-based): chr12:49,041,967, T>G on the plus strand (A>C on the coding strand, the complement: KMT2D is on the minus strand). VCF-style: chr12-49041967-T-G. GRCh37 (hg19) VCF-style: chr12-49435750-T-G.
Other names: short protein forms I2045L.
Identifiers: ClinVar variation 1718156 (VCV001718156.5), dbSNP rs2498406088, ClinGen allele CA384626331.